The following is an entry in ClinVar:

NM_001754.5(RUNX1):c.58+1G>C

Gene: RUNX1 (RUNX family transcription factor 1; minus strand). Cytogenetic location: 21q22.12.
Variant type: single nucleotide variant.
Coding change: c.58+1G>C on transcript NM_001754.5 (MANE Select); the canonical splice donor site of the intron after coding-DNA position 58, G replaced by C.
Molecular consequence: splice donor variant.
Genome position (GRCh38, 1-based): chr21:35,048,841, C>G on the plus strand (G>C on the coding strand, the complement: RUNX1 is on the minus strand). VCF-style: chr21-35048841-C-G. GRCh37 (hg19) VCF-style: chr21-36421138-C-G.
Identifiers: ClinVar variation 4073528 (VCV004073528.1).

ClinVar aggregate classification (oncogenicity): Oncogenic (1 of 4 stars; one submission).

Conditions:
Leukemia. Identifiers: MedGen C0023418, MeSH D007938, MONDO:0005059, HP:0001909.

Submission:

Leukemia Research Group, Cancer Lab, Institute of Biochemistry, Biotechnology and Bioinformatics
Classification: Oncogenic for Leukemia. Last evaluated: 2023-05-10. Review status: criteria provided, single submitter. Criteria: ClinGen/CGC/VICC Guidelines for Oncogenicity, 2022. Collection method: research. Allele origin: somatic. Affected: yes. Observed: 4 variant alleles.
Comment: The c.58+1G>C variant is a nonsense variant. This nonsense mutation was found in AML patients which reported the presence of extended Intron confirmed in multiple transcripts using PCR method. Analysis predicted to loss splice site which causes to retain intron 2/3. It causes frame shift in open reading frame causing premature stop codon in extended exon 2 and expected to result in nonsense-mediated mRNA decay (OVS1). All utilized lines of computational evidence support an oncogenic effect of a variant (OP1). It is completely absent from gnomAD v2.1.1 and v3 with at least 20x coverage for RUNX1 (OP4).